The following is an entry in ClinVar:

ClinVar aggregate classification (germline): Uncertain significance. Review status: criteria provided, multiple submitters, no conflicts (2 of 4 stars). 4 submissions from 4 submitters: Uncertain significance (4). Last evaluated 2025-06-10.

Conditions:
Familial thoracic aortic aneurysm and aortic dissection (TAAD). Also called: Thoracic aortic aneurysms and dissections. Identifiers: Orphanet 91387, MedGen C4707243, MONDO:0019625.
Aortic aneurysm, familial thoracic 4 (AAT4). Also called: AORTIC ANEURYSM/AORTIC DISSECTION AND PATENT DUCTUS ARTERIOSUS. Identifiers: MedGen C1851504, MONDO:0007568, OMIM 132900.

Allele frequency attached by ClinVar (database versions not stated): TOPMed below 0.00001; ExAC 0.00004.
gnomAD v4.1: 8 of 1,594,870 alleles (0.0005%); highest among the groups gnomAD compares: East Asian, 0.0022%; no homozygotes.

Submissions (4):

Ambry Genetics
Classification: Uncertain significance for Familial thoracic aortic aneurysm and aortic dissection. Last evaluated: 2025-06-10. Review status: criteria provided, single submitter. Criteria: Ambry Variant Classification Scheme 2023. Collection method: clinical testing. Allele origin: germline.
Comment: The p.R1737W variant (also known as c.5209C>T), located in coding exon 36 of the MYH11 gene, results from a C to T substitution at nucleotide position 5209. The arginine at codon 1737 is replaced by tryptophan, an amino acid with dissimilar properties. This amino acid position is conserved. In addition, the in silico prediction for this alteration is inconclusive. Based on the available evidence, the clinical significance of this variant remains unclear.

Labcorp Genetics (formerly Invitae), Labcorp
Classification: Uncertain significance for Aortic aneurysm, familial thoracic 4. Last evaluated: 2025-01-06. Review status: criteria provided, single submitter. Criteria: Invitae Variant Classification Sherloc (09022015). Collection method: clinical testing. Allele origin: germline.
Comment: This sequence change replaces arginine, which is basic and polar, with tryptophan, which is neutral and slightly polar, at codon 1744 of the MYH11 protein (p.Arg1744Trp). The frequency data for this variant in the population databases is considered unreliable, as metrics indicate poor data quality at this position in the gnomAD database. This variant has not been reported in the literature in individuals affected with MYH11-related conditions. ClinVar contains an entry for this variant (Variation ID: 926832). Invitae Evidence Modeling of protein sequence and biophysical properties (such as structural, functional, and spatial information, amino acid conservation, physicochemical variation, residue mobility, and thermodynamic stability) indicates that this missense variant is not expected to disrupt MYH11 protein function with a negative predictive value of 80%. In summary, the available evidence is currently insufficient to determine the role of this variant in disease. Therefore, it has been classified as a Variant of Uncertain Significance.

Color Diagnostics, LLC DBA Color Health
Classification: Uncertain significance for Familial thoracic aortic aneurysm and aortic dissection. Last evaluated: 2024-03-06. Review status: criteria provided, single submitter. Criteria: ACMG Guidelines, 2015. Collection method: clinical testing. Allele origin: germline.
Comment: This missense variant replaces arginine with tryptophan at codon 1744 of the MYH11 protein. Computational prediction is inconclusive regarding the impact of this variant on protein structure and function (internally defined REVEL score threshold 0.5 < inconclusive < 0.7, PMID: 27666373). To our knowledge, functional studies have not been reported for this variant. This variant has not been reported in individuals affected with MYH11-related disorders in the literature. This variant has not been identified in the general population by the Genome Aggregation Database (gnomAD). The available evidence is insufficient to determine the role of this variant in disease conclusively. Therefore, this variant is classified as a Variant of Uncertain Significance.

All of Us Research Program, National Institutes of Health
Classification: Uncertain significance for Familial thoracic aortic aneurysm and aortic dissection. Last evaluated: 2023-12-13. Review status: criteria provided, single submitter. Criteria: ACMG Guidelines, 2015. Collection method: clinical testing. Allele origin: germline. Inheritance: Autosomal dominant inheritance. Observed: 2 variant alleles, 2 heterozygotes.
Comment: This missense variant replaces arginine with tryptophan at codon 1744 of the MYH11 protein. Computational prediction tools and conservation analyses suggest that this variant may have deleterious impact on the protein function. Computational splicing tools suggest that this variant may not impact RNA splicing. To our knowledge, functional assays have not been performed for this variant nor has this variant been reported in individuals affected with cardiovascular disorders in the literature. This variant has not been identified in the general population by the Genome Aggregation Database (gnomAD). Available evidence is insufficient to determine the role of this variant in disease conclusively. Therefore, this variant is classified as a Variant of Uncertain Significance.

This study involves interpretation of variants in research participants for the purpose of population health screening. Participant phenotype was not available at the time of variant classification. Additional details can be found in publication PMID: 35346344, PMCID: PMC8962531

NM_002474.3(MYH11):c.5209C>T (p.Arg1737Trp)

Genes: MYH11 (myosin heavy chain 11; minus strand), NDE1 (nudE neurodevelopment protein 1; plus strand). Cytogenetic location: 16p13.11.
Variant type: single nucleotide variant.
Coding change: c.5209C>T on transcript NM_002474.3 (MANE Select); coding-DNA position 5209, C replaced by T.
Protein change: p.Arg1737Trp; replaces arginine 1737 with tryptophan.
Molecular consequence: missense variant. On other transcripts: intron variant (2).
Genome position (GRCh38, 1-based): chr16:15,718,401, G>A on the plus strand (C>T on the coding strand, the complement: MYH11 is on the minus strand). VCF-style: chr16-15718401-G-A. GRCh37 (hg19) VCF-style: chr16-15812258-G-A.
Other names: c.5230C>T, p.Arg1744Trp (NM_001040113.2, NM_001040114.2); c.5209C>T, p.Arg1737Trp (NM_022844.3); c.948-5790G>A (NM_001143979.2, NM_017668.3); c.5209C>T (NM_002474.2); short protein forms R1737W, R1744W.
Identifiers: ClinVar variation 926832 (VCV000926832.13), dbSNP rs772907739, ClinGen allele CA7921364.